The following is an entry in ClinVar:

ClinVar aggregate classification (germline): Likely pathogenic (1 of 4 stars; one submission).

Submission:

Labcorp Genetics (formerly Invitae), Labcorp
Classification: Likely pathogenic. Last evaluated: 2023-09-03. Review status: criteria provided, single submitter. Criteria: Invitae Variant Classification Sherloc (09022015). Collection method: clinical testing. Allele origin: germline.
Comment: In summary, the currently available evidence indicates that the variant is pathogenic, but additional data are needed to prove that conclusively. Therefore, this variant has been classified as Likely Pathogenic. Algorithms developed to predict the effect of sequence changes on RNA splicing suggest that this variant may disrupt the consensus splice site. This variant has not been reported in the literature in individuals affected with FLNB-related conditions. This variant is not present in population databases (gnomAD no frequency). This sequence change affects a donor splice site in intron 19 of the FLNB gene. It is expected to disrupt RNA splicing. Variants that disrupt the donor or acceptor splice site typically lead to a loss of protein function (PMID: 16199547), and loss-of-function variants in FLNB are known to be pathogenic (PMID: 14991055).

Literature cited by the submitters: PubMed 16199547; PubMed 14991055.

NM_001457.4(FLNB):c.2863+1G>A

Gene: FLNB (filamin B; plus strand). Cytogenetic location: 3p14.3.
Variant type: single nucleotide variant.
Coding change: c.2863+1G>A on transcript NM_001457.4 (MANE Select); the canonical splice donor site of the intron after coding-DNA position 2863, G replaced by A.
Molecular consequence: splice donor variant.
Genome position (GRCh38, 1-based): chr3:58,118,990, G>A. VCF-style: chr3-58118990-G-A. GRCh37 (hg19) VCF-style: chr3-58104717-G-A.
Other names: c.2863+1G>A (NM_001164317.2, NM_001164318.2, NM_001164319.2).
Identifiers: ClinVar variation 2866680 (VCV002866680.3), dbSNP rs2471110969, ClinGen allele CA353346731.